The following is an entry in ClinVar:

NM_006618.5(KDM5B):c.1433A>T (p.Asp478Val)

Gene: KDM5B (lysine demethylase 5B; minus strand). Cytogenetic location: 1q32.1.
Variant type: single nucleotide variant.
Coding change: c.1433A>T on transcript NM_006618.5 (MANE Select); coding-DNA position 1433, A replaced by T.
Protein change: p.Asp478Val; replaces aspartic acid 478 with valine.
Molecular consequence: missense variant.
Genome position (GRCh38, 1-based): chr1:202,755,376, T>A on the plus strand (A>T on the coding strand, the complement: KDM5B is on the minus strand). VCF-style: chr1-202755376-T-A. GRCh37 (hg19) VCF-style: chr1-202724504-T-A.
Other names: c.1541A>T, p.Asp514Val (NM_001314042.2); c.1298A>T, p.Asp433Val (NM_001347591.2); c.1418A>T, p.Asp473Val (NM_001399817.1); short protein forms D433V, D473V, D478V, D514V.
Identifiers: ClinVar variation 3369221 (VCV003369221.1).

ClinVar aggregate classification (germline): Uncertain significance (1 of 4 stars; one submission).

Submission:

GeneDx
Classification: Uncertain significance. Last evaluated: 2024-02-12. Review status: criteria provided, single submitter. Criteria: GeneDx Variant Classification Process June 2021. Collection method: clinical testing. Allele origin: germline. Affected: yes.
Comment: Not observed at significant frequency in large population cohorts (gnomAD); In silico analysis supports that this missense variant has a deleterious effect on protein structure/function; Has not been previously published as pathogenic or benign to our knowledge